The following is an entry in ClinVar:

NM_004947.5(DOCK3):c.6001C>T (p.Arg2001Ter)

Gene: DOCK3 (dedicator of cytokinesis 3; plus strand). Cytogenetic location: 3p21.2.
Variant type: single nucleotide variant.
Coding change: c.6001C>T on transcript NM_004947.5 (MANE Select); coding-DNA position 6001, C replaced by T.
Protein change: p.Arg2001Ter; replaces arginine 2001 with a stop codon.
Molecular consequence: nonsense.
Genome position (GRCh38, 1-based): chr3:51,381,467, C>T. VCF-style: chr3-51381467-C-T. GRCh37 (hg19) VCF-style: chr3-51418898-C-T.
Other names: short protein forms R2001*.
Identifiers: ClinVar variation 4849416 (VCV004849416.1).

ClinVar aggregate classification (germline): Likely pathogenic (1 of 4 stars; one submission).

Conditions:
Neurodevelopmental disorder with impaired intellectual development, hypotonia, and ataxia. Identifiers: MedGen C4749014, MONDO:0032661, OMIM 618292.

gnomAD v4.1: 5 of 1,596,828 alleles (0.00031%); highest among the groups gnomAD compares: East Asian, 0.0046%; no homozygotes.

Submission:

First Genomix Gene Laboratory, Genetic Diagnostics Department
Classification: Likely pathogenic for Neurodevelopmental disorder with impaired intellectual development, hypotonia, and ataxia. Last evaluated: 2025-05-29. Review status: criteria provided, single submitter. Criteria: ACMG Guidelines, 2015. Collection method: clinical testing. Allele origin: germline. Inheritance: Autosomal recessive inheritance. Affected: no. Observed: 1 variant allele.